The following is an entry in ClinVar:

ClinVar aggregate classification (germline): Uncertain significance (1 of 4 stars; one submission).

Conditions:
Autosomal dominant nonsyndromic hearing loss 1. Also called: DEAFNESS, AUTOSOMAL DOMINANT 1, WITH OR WITHOUT THROMBOCYTOPENIA; KONIGSMARK SYNDROME. Identifiers: Orphanet 90635, MedGen C1852282, MONDO:0007424, OMIM 124900.
Progressive microcephaly-seizures-cortical blindness-developmental delay syndrome. Also called: Seizures, cortical blindness, and microcephaly syndrome. Identifiers: Orphanet 477814, MedGen C5567650, MONDO:0014714, OMIM 616632.

Submission:

Labcorp Genetics (formerly Invitae), Labcorp
Classification: Uncertain significance for Progressive microcephaly-seizures-cortical blindness-developmental delay syndrome; Autosomal dominant nonsyndromic hearing loss 1. Last evaluated: 2025-03-12. Review status: criteria provided, single submitter. Criteria: Invitae Variant Classification Sherloc (09022015). Collection method: clinical testing. Allele origin: germline.
Comment: This sequence change replaces glutamine, which is neutral and polar, with arginine, which is basic and polar, at codon 98 of the DIAPH1 protein (p.Gln98Arg). This variant is not present in population databases (gnomAD no frequency). This variant has not been reported in the literature in individuals affected with DIAPH1-related conditions. Experimental studies and prediction algorithms are not available or were not evaluated, and the functional significance of this variant is currently unknown. In summary, the available evidence is currently insufficient to determine the role of this variant in disease. Therefore, it has been classified as a Variant of Uncertain Significance.

NM_005219.5(DIAPH1):c.293A>G (p.Gln98Arg)

Gene: DIAPH1 (diaphanous related formin 1; minus strand). Cytogenetic location: 5q31.3.
Variant type: single nucleotide variant.
Coding change: c.293A>G on transcript NM_005219.5 (MANE Select); coding-DNA position 293, A replaced by G.
Protein change: p.Gln98Arg; replaces glutamine 98 with arginine.
Molecular consequence: missense variant.
Genome position (GRCh38, 1-based): chr5:141,587,049, T>C on the plus strand (A>G on the coding strand, the complement: DIAPH1 is on the minus strand). VCF-style: chr5-141587049-T-C. GRCh37 (hg19) VCF-style: chr5-140966616-T-C.
Other names: c.266A>G, p.Gln89Arg (NM_001079812.3); c.293A>G, p.Gln98Arg (NM_001314007.2); short protein forms Q98R, Q89R.
Identifiers: ClinVar variation 4794551 (VCV004794551.1).
Genomic context (GRCh38, chr5:141,587,049, plus strand): 5'-CCATGTCCATAAATGCACAGGAAGAAGCAACATTTTGGGAATGGGAAACTTACCAGCATC[T>C]GTTCAAAGAGAACCAGCACTTGTTCATCTGAAACATCTTGCAATGACTGTGCTGTGGGAT-3'
Protein context (NP_005210.3, residues 88-108): SDEQVLVLFE[Gln98Arg]MLLDMNLNEE